The following is an entry in ClinVar:

ClinVar aggregate classification (germline): Likely benign. Review status: criteria provided, multiple submitters, no conflicts (2 of 4 stars). 2 submissions from 2 submitters: Likely benign (2). Last evaluated 2022-05-11.

Conditions:
Mitochondrial complex IV deficiency, nuclear type 7. Also called: Mitochondrial complex 4 deficiency, nuclear type 7. Identifiers: MedGen C5436685, MONDO:0033637, OMIM 619051.

Allele frequency attached by ClinVar (database versions not stated): gnomAD 0.00001; gnomAD exomes 0.00002 and 0.00005; TOPMed 0.00002; ExAC 0.00004; 1000 Genomes Project 30x 0.00031; 1000 Genomes Project 0.00040.
gnomAD v4.1: 25 of 1,602,728 alleles (0.0016%); highest among the groups gnomAD compares: East Asian, 0.034%; no homozygotes.

Submissions (2):

Fulgent Genetics
Classification: Likely benign for Mitochondrial complex IV deficiency, nuclear type 7. Last evaluated: 2022-05-11. Review status: criteria provided, single submitter. Criteria: ACMG Guidelines, 2015. Collection method: clinical testing. Allele origin: unknown.

GeneDx
Classification: Likely benign. Last evaluated: 2017-04-14. Review status: criteria provided, single submitter. Criteria: GeneDx Variant Classification (06012015). Collection method: clinical testing. Allele origin: germline. Affected: yes.
Comment: This variant is considered likely benign or benign based on one or more of the following criteria: it is a conservative change, it occurs at a poorly conserved position in the protein, it is predicted to be benign by multiple in silico algorithms, and/or has population frequency not consistent with disease.

NM_001863.5(COX6B1):c.-11-8G>A

Gene: COX6B1 (cytochrome c oxidase subunit 6B1; plus strand). Cytogenetic location: 19q13.12.
Variant type: single nucleotide variant.
Coding change: c.-11-8G>A on transcript NM_001863.5 (MANE Select); 8 bases into the intron before 11 bases upstream of the start codon, G replaced by A.
Molecular consequence: intron variant.
Genome position (GRCh38, 1-based): chr19:35,651,225, G>A. VCF-style: chr19-35651225-G-A. GRCh37 (hg19) VCF-style: chr19-36142127-G-A.
Other names: c.-11-8G>A (LRG_1246t1).
Identifiers: ClinVar variation 508010 (VCV000508010.2), dbSNP rs200312775, ClinGen allele CA9383121.